The following is an entry in ClinVar:

NM_000079.4(CHRNA1):c.517G>A (p.Gly173Ser)

Gene: CHRNA1 (cholinergic receptor nicotinic alpha 1 subunit; minus strand). Cytogenetic location: 2q31.1.
Variant type: single nucleotide variant.
Coding change: c.517G>A on transcript NM_000079.4 (MANE Select); coding-DNA position 517, G replaced by A.
Protein change: p.Gly173Ser; replaces glycine 173 with serine.
Molecular consequence: missense variant.
Genome position (GRCh38, 1-based): chr2:174,754,242, C>T on the plus strand (G>A on the coding strand, the complement: CHRNA1 is on the minus strand). VCF-style: chr2-174754242-C-T. GRCh37 (hg19) VCF-style: chr2-175618970-C-T.
Other names: G153S; c.592G>A, p.Gly198Ser (NM_001039523.3); short protein forms G173S, G198S.
Identifiers: ClinVar variation 18379 (VCV000018379.26), dbSNP rs137852801, ClinGen allele CA258183.

ClinVar aggregate classification (germline): Pathogenic/Likely pathogenic. Review status: criteria provided, multiple submitters, no conflicts (2 of 4 stars). 9 submissions from 8 submitters: Pathogenic (5); Likely pathogenic (3). 1 of the submissions does not count toward it. Last evaluated 2025-12-09.

Conditions:
Myasthenic syndrome, congenital, 1A, slow-channel. Also called: MYASTHENIC SYNDROME, CONGENITAL, TYPE IIa; Congenital myasthenic syndrome 1A; CMS IIa. Identifiers: MedGen C2931107, MONDO:0011088, OMIM 601462.
Myasthenic syndrome, congenital, 1B, fast-channel. Also called: Fast-Channel Congenital Myasthenia Syndrome. Identifiers: Orphanet 590, MedGen C4225405, MONDO:0012156, OMIM 608930.
CHRNA1-related disorders.
Lethal multiple pterygium syndrome (LMPS). Identifiers: Orphanet 33108, MedGen C1854678, MONDO:0009668, OMIM 253290.
Congenital myopathy. Identifiers: Orphanet 97245, MedGen C0270960, MONDO:0019952.

Submissions (9):

GeneDx
Classification: Pathogenic. Last evaluated: 2025-12-09. Review status: criteria provided, single submitter. Criteria: GeneDx Variant Classification Process June 2021. Collection method: clinical testing. Allele origin: germline. Affected: yes.
Comment: Published functional studies demonstrate a damaging effect with increased acetylcholine binding affinity resulting in a gain-of-function synaptic response (PMID: 7619526) in addition to altered channel activity (PMID: 9158151); Not observed at significant frequency in large population cohorts (gnomAD); In silico analysis suggests that this missense variant does not alter protein structure/function; Also denoted as p.G153S and p.G198S due to alternative nomenclature; This variant is associated with the following publications: (PMID: 31965297, 32703467, 7863154, 6287911, 28492532, 9158151, 7619526, 38737513, 37721175, 40768883, 29054425)

Labcorp Genetics (formerly Invitae), Labcorp
Classification: Pathogenic for Lethal multiple pterygium syndrome. Last evaluated: 2024-08-29. Review status: criteria provided, single submitter. Criteria: Invitae Variant Classification Sherloc (09022015). Collection method: clinical testing. Allele origin: germline.
Comment: This sequence change replaces glycine, which is neutral and non-polar, with serine, which is neutral and polar, at codon 173 of the CHRNA1 protein (p.Gly173Ser). This variant is not present in population databases (gnomAD no frequency). This missense change has been observed in individual(s) with autosomal dominant slow-channel congenital myasthenic syndrome (PMID: 7619526, 9158151, 29054425; internal data). It has also been observed to segregate with disease in related individuals. This variant is also known as 457G>A (G153S) or c.592G>A (p.Gly198Ser). ClinVar contains an entry for this variant (Variation ID: 18379). Invitae Evidence Modeling of protein sequence and biophysical properties (such as structural, functional, and spatial information, amino acid conservation, physicochemical variation, residue mobility, and thermodynamic stability) indicates that this missense variant is not expected to disrupt CHRNA1 protein function with a negative predictive value of 80%. Experimental studies have shown that this missense change affects CHRNA1 function (PMID: 7619526, 9158151). For these reasons, this variant has been classified as Pathogenic.

Muscle and Diseases Team, Institut de Génétique et Biologie Moléculaire et Cellulaire
Classification: Pathogenic for Congenital myopathy. Last evaluated: 2024-03-01. Review status: criteria provided, single submitter. Criteria: ACMG Guidelines, 2015. Collection method: research. Allele origin: de novo. Affected: yes. Observed: 1 variant allele.
Comment: PS1+PS2+PS3+PM1+PM2+PP2+PP3+PP5

Revvity Omics, Revvity
Classification: Pathogenic. Last evaluated: 2023-09-06. Review status: criteria provided, single submitter. Criteria: ACMG Guidelines, 2015. Collection method: clinical testing. Allele origin: germline.

Blueprint Genetics
Classification: Pathogenic for CHRNA1-related disorders. Last evaluated: 2023-06-26. Review status: criteria provided, single submitter. Criteria: ACMG Guidelines, 2015. Collection method: clinical testing. Allele origin: germline. Affected: yes. Observed: 2 variant alleles.

Kariminejad - Najmabadi Pathology & Genetics Center
Classification: Likely pathogenic for Lethal multiple pterygium syndrome; Myasthenic syndrome, congenital, 1A, slow-channel; Myasthenic syndrome, congenital, 1B, fast-channel. Last evaluated: 2023-05-11. Review status: criteria provided, single submitter. Criteria: ACMG Guidelines, 2015. Collection method: clinical testing. Allele origin: germline. Inheritance: Autosomal dominant inheritance. Affected: yes.
Comment: PS4,PM2,PP3?

3billion
Classification: Likely pathogenic for Myasthenic syndrome, congenital, 1A, slow-channel. Last evaluated: 2022-05-22. Review status: criteria provided, single submitter. Criteria: ACMG Guidelines, 2015. Collection method: clinical testing. Allele origin: germline. Affected: yes. Observed: 1 heterozygote.
Comment: The variant is not observed in the gnomAD v2.1.1 dataset. Missense changes are a common disease-causing mechanism. In silico tool predictions suggest damaging effect of the variant on gene or gene product (REVEL: 0.59; 3Cnet: 0.79). Same nucleotide change resulting in same amino acid change has been previously reported as pathogenic with strong evidence (ClinVar ID: VCV000018379). A different missense change at the same codon (p.Gly173Ala) has been reported to be associated with CHRNA1- related disorder (PMID: 22406191). Therefore, this variant is classified as likely pathogenic according to the recommendation of ACMG/AMP guideline.

Kariminejad - Najmabadi Pathology & Genetics Center
Classification: Likely pathogenic for Myasthenic syndrome, congenital, 1A, slow-channel; Myasthenic syndrome, congenital, 1B, fast-channel. Last evaluated: 2022-03-02. Review status: criteria provided, single submitter. Criteria: ACMG Guidelines, 2015. Collection method: clinical testing. Allele origin: germline. Inheritance: Autosomal dominant inheritance. Affected: yes.
Comment: PM1 PM2 PP3 PP5

OMIM
Classification: Pathogenic for MYASTHENIC SYNDROME, CONGENITAL, 1A, SLOW-CHANNEL. Last evaluated: 1997-05-01. Review status: no assertion criteria provided. Collection method: literature only. Allele origin: germline. Not counted in ClinVar's aggregate classification.

Literature cited by the submitters: PubMed 7619526 (cited by Labcorp Genetics (formerly Invitae), Labcorp and OMIM); PubMed 9158151 (cited by Labcorp Genetics (formerly Invitae), Labcorp and OMIM); PubMed 29054425 (cited by Labcorp Genetics (formerly Invitae), Labcorp); DOI 10.1186/s13073-024-01353-0 (cited by Muscle and Diseases Team, Institut de Génétique et Biologie Moléculaire et Cellulaire); PubMed 22406191 (cited by 3billion); PubMed 6287911 (cited by OMIM); PubMed 7863154 (cited by OMIM).